The following is an entry in ClinVar:

NM_000383.4(AIRE):c.1400G>C (p.Gly467Ala)

Gene: AIRE (autoimmune regulator; plus strand). Cytogenetic location: 21q22.3.
Variant type: single nucleotide variant.
Coding change: c.1400G>C on transcript NM_000383.4 (MANE Select); coding-DNA position 1400, G replaced by C.
Protein change: p.Gly467Ala; replaces glycine 467 with alanine.
Molecular consequence: missense variant.
Genome position (GRCh38, 1-based): chr21:44,293,910, G>C. VCF-style: chr21-44293910-G-C. GRCh37 (hg19) VCF-style: chr21-45713793-G-C.
Other names: short protein forms G467A.
Identifiers: ClinVar variation 2417110 (VCV002417110.6), dbSNP rs1329734570, ClinGen allele CA410425837.

ClinVar aggregate classification (germline): Uncertain significance (1 of 4 stars; one submission).

Conditions:
Polyglandular autoimmune syndrome, type 1 (APS1). Also called: AUTOIMMUNE POLYENDOCRINE SYNDROME, TYPE I, WITH OR WITHOUT REVERSIBLE METAPHYSEAL DYSPLASIA; HYPOADRENOCORTICISM WITH HYPOPARATHYROIDISM AND SUPERFICIAL MONILIASIS; Autoimmune polyendocrine syndrome type 1; Autoimmune polyendocrinopathy syndrome, type I; Autoimmune polyendocrinopathy syndrome , type I, with or without reversible metaphyseal dysplasia; PGA I. Identifiers: Orphanet 3453, MedGen C0085859, MONDO:0009411, OMIM 240300.

Allele frequency attached by ClinVar (database versions not stated): gnomAD exomes below 0.00001.
gnomAD v4.1: 1 of 1,596,504 alleles (0.000063%); highest among the groups gnomAD compares: Non-Finnish European, 0.000085%; no homozygotes.

Submission:

Labcorp Genetics (formerly Invitae), Labcorp
Classification: Uncertain significance for Polyglandular autoimmune syndrome, type 1. Last evaluated: 2022-10-17. Review status: criteria provided, single submitter. Criteria: Invitae Variant Classification Sherloc (09022015). Collection method: clinical testing. Allele origin: germline.
Comment: In summary, the available evidence is currently insufficient to determine the role of this variant in disease. Therefore, it has been classified as a Variant of Uncertain Significance. Variants that disrupt the consensus splice site are a relatively common cause of aberrant splicing (PMID: 17576681, 9536098). Algorithms developed to predict the effect of missense changes on protein structure and function (SIFT, PolyPhen-2, Align-GVGD) all suggest that this variant is likely to be tolerated. This variant has not been reported in the literature in individuals affected with AIRE-related conditions. This variant is not present in population databases (gnomAD no frequency). This sequence change replaces glycine, which is neutral and non-polar, with alanine, which is neutral and non-polar, at codon 467 of the AIRE protein (p.Gly467Ala). This variant also falls at the last nucleotide of exon 11, which is part of the consensus splice site for this exon.

Literature cited by the submitters: PubMed 17576681; PubMed 9536098.